The following is an entry in ClinVar:

NM_006922.4(SCN3A):c.492C>G (p.Ile164Met)

Gene: SCN3A (sodium voltage-gated channel alpha subunit 3; minus strand). Cytogenetic location: 2q24.3.
Variant type: single nucleotide variant.
Coding change: c.492C>G on transcript NM_006922.4 (MANE Select); coding-DNA position 492, C replaced by G.
Protein change: p.Ile164Met; replaces isoleucine 164 with methionine.
Molecular consequence: missense variant.
Genome position (GRCh38, 1-based): chr2:165,164,502, G>C on the plus strand (C>G on the coding strand, the complement: SCN3A is on the minus strand). VCF-style: chr2-165164502-G-C. GRCh37 (hg19) VCF-style: chr2-166021012-G-C.
Other names: c.492C>G, p.Ile164Met (NM_001081676.2, NM_001081677.2); c.492C>G (NM_006922.3); short protein forms I164M.
Identifiers: ClinVar variation 1504333 (VCV001504333.9), dbSNP rs750613954, ClinGen allele CA1939427.

ClinVar aggregate classification (germline): Uncertain significance. Review status: criteria provided, multiple submitters, no conflicts (2 of 4 stars). 2 submissions from 2 submitters: Uncertain significance (2). Last evaluated 2026-05-27.

Conditions:
Inborn genetic diseases. Identifiers: MedGen C0950123, MeSH D030342.

Allele frequency attached by ClinVar (database versions not stated): ExAC 0.00001.

Submissions (2):

Ambry Genetics
Classification: Uncertain significance for Inborn genetic diseases. Last evaluated: 2026-05-27. Review status: criteria provided, single submitter. Criteria: Ambry Variant Classification Scheme 2023. Collection method: clinical testing. Allele origin: germline.

Labcorp Genetics (formerly Invitae), Labcorp
Classification: Uncertain significance. Last evaluated: 2021-05-07. Review status: criteria provided, single submitter. Criteria: Invitae Variant Classification Sherloc (09022015). Collection method: clinical testing. Allele origin: germline.
Comment: In summary, the available evidence is currently insufficient to determine the role of this variant in disease. Therefore, it has been classified as a Variant of Uncertain Significance. Algorithms developed to predict the effect of missense changes on protein structure and function are either unavailable or do not agree on the potential impact of this missense change (SIFT: "Deleterious"; PolyPhen-2: "Possibly Damaging"; Align-GVGD: "Class C0"). This variant has not been reported in the literature in individuals with SCN3A-related conditions. This variant is present in population databases (rs750613954, ExAC 0.002%). This sequence change replaces isoleucine with methionine at codon 164 of the SCN3A protein (p.Ile164Met). The isoleucine residue is highly conserved and there is a small physicochemical difference between isoleucine and methionine.